The following is an entry in ClinVar:

NM_017799.4(TMEM260):c.911C>A (p.Ala304Glu)

Gene: TMEM260 (transmembrane protein 260; plus strand). Cytogenetic location: 14q22.3.
Variant type: single nucleotide variant.
Coding change: c.911C>A on transcript NM_017799.4 (MANE Select); coding-DNA position 911, C replaced by A.
Protein change: p.Ala304Glu; replaces alanine 304 with glutamic acid.
Molecular consequence: missense variant.
Genome position (GRCh38, 1-based): chr14:56,615,997, C>A. VCF-style: chr14-56615997-C-A. GRCh37 (hg19) VCF-style: chr14-57082715-C-A.
Other names: short protein forms A304E.
Identifiers: ClinVar variation 3363836 (VCV003363836.1).

ClinVar aggregate classification (germline): Uncertain significance (1 of 4 stars; one submission).

Submission:

GeneDx
Classification: Uncertain significance. Last evaluated: 2023-11-10. Review status: criteria provided, single submitter. Criteria: GeneDx Variant Classification Process June 2021. Collection method: clinical testing. Allele origin: germline. Affected: yes.
Comment: Not observed at significant frequency in large population cohorts (gnomAD); In silico analysis supports that this missense variant does not alter protein structure/function; Has not been previously published as pathogenic or benign to our knowledge